The following is an entry in ClinVar:

NM_001170700.3(DTHD1):c.1025T>G (p.Leu342Ter)

Gene: DTHD1 (death domain containing 1; plus strand). Cytogenetic location: 4p14.
Variant type: single nucleotide variant.
Coding change: c.1025T>G on transcript NM_001170700.3 (MANE Select); coding-DNA position 1025, T replaced by G.
Protein change: p.Leu342Ter; replaces leucine 342 with a stop codon.
Molecular consequence: nonsense. On other transcripts: non-coding transcript variant (2).
Genome position (GRCh38, 1-based): chr4:36,290,510, T>G. VCF-style: chr4-36290510-T-G. GRCh37 (hg19) VCF-style: chr4-36292132-T-G.
Other names: c.155T>G, p.Leu52Ter (NM_001136536.5, NM_001378435.1); short protein forms L342*, L52*.
Identifiers: ClinVar variation 1983344 (VCV001983344.5), dbSNP rs377093636, ClinGen allele CA356678869.

ClinVar aggregate classification (germline): Uncertain significance. Review status: criteria provided, multiple submitters, no conflicts (2 of 4 stars). 2 submissions from 2 submitters: Uncertain significance (2). Last evaluated 2023-11-07.

Submissions (2):

Labcorp Genetics (formerly Invitae), Labcorp
Classification: Uncertain significance. Last evaluated: 2023-11-07. Review status: criteria provided, single submitter. Criteria: Invitae Variant Classification Sherloc (09022015). Collection method: clinical testing. Allele origin: germline.
Comment: This sequence change creates a premature translational stop signal (p.Leu52*) in the DTHD1 gene. It is expected to result in an absent or disrupted protein product. However, the current clinical and genetic evidence is not sufficient to establish whether loss-of-function variants in DTHD1 cause disease. This variant is not present in population databases (gnomAD no frequency). This variant has not been reported in the literature in individuals affected with DTHD1-related conditions. ClinVar contains an entry for this variant (Variation ID: 1983344). In summary, the available evidence is currently insufficient to determine the role of this variant in disease. Therefore, it has been classified as a Variant of Uncertain Significance.

Blueprint Genetics
Classification: Uncertain significance. Last evaluated: 2022-08-11. Review status: criteria provided, single submitter. Criteria: ACMG Guidelines, 2015. Collection method: clinical testing. Allele origin: germline.